The following is an entry in ClinVar:

NM_001040142.2(SCN2A):c.2198C>T (p.Ala733Val)

Gene: SCN2A (sodium voltage-gated channel alpha subunit 2; plus strand). Cytogenetic location: 2q24.3.
Variant type: single nucleotide variant.
Coding change: c.2198C>T on transcript NM_001040142.2 (MANE Select); coding-DNA position 2198, C replaced by T.
Protein change: p.Ala733Val; replaces alanine 733 with valine.
Molecular consequence: missense variant.
Genome position (GRCh38, 1-based): chr2:165,331,378, C>T. VCF-style: chr2-165331378-C-T. GRCh37 (hg19) VCF-style: chr2-166187888-C-T.
Other names: c.2198C>T, p.Ala733Val (NM_001040143.2, NM_001371246.1, NM_001371247.1 and 1 more transcripts); c.2198C>T (NM_021007.2); short protein forms A733V.
Identifiers: ClinVar variation 2108347 (VCV002108347.5), dbSNP rs1698664787, ClinGen allele CA349030685.
Genomic context (GRCh38, chr2:165,331,378, plus strand): 5'-TTTTTCTTCCAGAACTTGAAGAATCCAGACAGAAATGCCCACCATGCTGGTATAAATTTG[C>T]TAATATGTGTTTGATTTGGGACTGTTGTAAACCATGGTTAAAGGTGAAACACCTTGTCAA-3'
Protein context (NP_001035232.1, residues 723-743): QKCPPCWYKF[Ala733Val]NMCLIWDCCK

ClinVar aggregate classification (germline): Uncertain significance. Review status: criteria provided, multiple submitters, no conflicts (2 of 4 stars). 2 submissions from 2 submitters: Uncertain significance (2). Last evaluated 2024-06-15.

Conditions:
Inborn genetic diseases. Identifiers: MedGen C0950123, MeSH D030342.
Seizures, benign familial infantile, 3 (BFIS3). Also called: Familial neonatal seizures; CONVULSIONS, BENIGN FAMILIAL INFANTILE, 3. Identifiers: Orphanet 140927, Orphanet 306, MedGen C1843140, MONDO:0011904, OMIM 607745.
Developmental and epileptic encephalopathy, 11 (DEE11). Also called: Early infantile epileptic encephalopathy 11. Identifiers: Orphanet 1934, MedGen C3150987, MONDO:0013388, OMIM 613721.

Allele frequency attached by ClinVar (database versions not stated): TOPMed 0.00001.

Submissions (2):

Labcorp Genetics (formerly Invitae), Labcorp
Classification: Uncertain significance for Seizures, benign familial infantile, 3; Developmental and epileptic encephalopathy, 11. Last evaluated: 2024-06-15. Review status: criteria provided, single submitter. Criteria: Invitae Variant Classification Sherloc (09022015). Collection method: clinical testing. Allele origin: germline.
Comment: This sequence change replaces alanine, which is neutral and non-polar, with valine, which is neutral and non-polar, at codon 733 of the SCN2A protein (p.Ala733Val). This variant is not present in population databases (gnomAD no frequency). This missense change has been observed in individual(s) with SCN2A-related conditions (Invitae). ClinVar contains an entry for this variant (Variation ID: 2108347). Advanced modeling of protein sequence and biophysical properties (such as structural, functional, and spatial information, amino acid conservation, physicochemical variation, residue mobility, and thermodynamic stability) performed at Invitae indicates that this missense variant is expected to disrupt SCN2A protein function with a positive predictive value of 95%. This variant disrupts the p.Ala733 amino acid residue in SCN2A. Other variant(s) that disrupt this residue have been observed in individuals with SCN2A-related conditions (PMID: 28379373), which suggests that this may be a clinically significant amino acid residue. In summary, the available evidence is currently insufficient to determine the role of this variant in disease. Therefore, it has been classified as a Variant of Uncertain Significance.

Ambry Genetics
Classification: Uncertain significance for Inborn genetic diseases. Last evaluated: 2024-01-10. Review status: criteria provided, single submitter. Criteria: Ambry Variant Classification Scheme 2023. Collection method: clinical testing. Allele origin: germline.
Comment: The c.2198C>T (p.A733V) alteration is located in exon 14 (coding exon 13) of the SCN2A gene. This alteration results from a C to T substitution at nucleotide position 2198, causing the alanine (A) at amino acid position 733 to be replaced by a valine (V). This variant was not reported in population-based cohorts in the Genome Aggregation Database (gnomAD). Another alteration at the same codon, c.2197G>A (p.A733T), has been detected in one individual with clinical features consistent with SCN2A-related neurodevelopmental disorder (Wolff, 2017). This amino acid position is highly conserved in available vertebrate species. This alteration is predicted to be deleterious by in silico analysis. Based on insufficient or conflicting evidence, the clinical significance of this alteration remains unclear.

Literature cited by the submitters: PubMed 28379373 (cited by Labcorp Genetics (formerly Invitae), Labcorp and Ambry Genetics).